The following is an entry in ClinVar:

ClinVar aggregate classification (germline): Likely benign. Review status: criteria provided, multiple submitters, no conflicts (2 of 4 stars). 2 submissions from 2 submitters: Likely benign (2). Last evaluated 2025-05-01.

Conditions:
Cardiovascular phenotype. Identifiers: MedGen CN230736.

gnomAD v4.1: 1 of 1,515,984 alleles (0.000066%); highest among the groups gnomAD compares: Non-Finnish European, 0.000088%; no homozygotes.

Submissions (2):

CeGaT Center for Human Genetics Tuebingen
Classification: Likely benign. Last evaluated: 2025-05-01. Review status: criteria provided, single submitter. Criteria: CeGaT Center For Human Genetics Tuebingen Variant Classification Criteria Version 2. Collection method: clinical testing. Allele origin: germline. Affected: yes. Observed: 1 variant allele.
Comment: LOX: BP4, BP7

Ambry Genetics
Classification: Likely benign for Cardiovascular phenotype. Last evaluated: 2025-03-03. Review status: criteria provided, single submitter. Criteria: Ambry Variant Classification Scheme 2023. Collection method: clinical testing. Allele origin: germline.

NM_002317.7(LOX):c.81C>T (p.Gly27=)

Genes: LOX (lysyl oxidase; minus strand), SRFBP1 (serum response factor binding protein 1; plus strand). Cytogenetic location: 5q23.1.
Variant type: single nucleotide variant.
Coding change: c.81C>T on transcript NM_002317.7 (MANE Select); coding-DNA position 81, C replaced by T.
Protein change: p.Gly27=; no amino-acid change (glycine 27 retained).
Molecular consequence: synonymous variant.
Genome position (GRCh38, 1-based): chr5:122,077,905, G>A on the plus strand (C>T on the coding strand, the complement: LOX is on the minus strand). VCF-style: chr5-122077905-G-A. GRCh37 (hg19) VCF-style: chr5-121413600-G-A.
Identifiers: ClinVar variation 3867700 (VCV003867700.11).